The following is an entry in ClinVar:

ClinVar aggregate classification (germline): Benign/Likely benign. Review status: criteria provided, multiple submitters, no conflicts (2 of 4 stars). 12 submissions from 12 submitters: Benign (1); Likely benign (5). 6 of the submissions do not count toward it. Last evaluated 2026-01-25.

Conditions:
CTNNA3-related disorder. Also called: CTNNA3-related condition.
Arrhythmogenic right ventricular dysplasia 13. Also called: ARRHYTHMOGENIC RIGHT VENTRICULAR CARDIOMYOPATHY 13; Arrhythmogenic right ventricular dysplasia, familial, 13. Identifiers: MedGen C3810138, MONDO:0000908, OMIM 615616.

Allele frequency attached by ClinVar (database versions not stated): gnomAD 0.00126 and 0.00130; gnomAD exomes 0.00127; 1000 Genomes Project 30x 0.00047; 1000 Genomes Project 0.00060; ExAC 0.00102; ESP Exome Variant Server 0.00115; TOPMed 0.00118.
gnomAD v4.1: 2,566 of 1,612,506 alleles (0.16%); highest among the groups gnomAD compares: Middle Eastern, 0.35%; 4 homozygotes.

Submissions (12):

Labcorp Genetics (formerly Invitae), Labcorp
Classification: Likely benign for Arrhythmogenic right ventricular dysplasia 13. Last evaluated: 2026-01-25. Review status: criteria provided, single submitter. Criteria: Invitae Variant Classification Sherloc (09022015). Collection method: clinical testing. Allele origin: germline.

CeGaT Center for Human Genetics Tuebingen
Classification: Benign. Last evaluated: 2024-12-01. Review status: criteria provided, single submitter. Criteria: CeGaT Center For Human Genetics Tuebingen Variant Classification Criteria Version 2. Collection method: clinical testing. Allele origin: germline. Affected: yes. Observed: 4 variant alleles.
Comment: CTNNA3: BS1, BS2

Blueprint Genetics
Classification: Likely benign. Last evaluated: 2024-11-26. Review status: criteria provided, single submitter. Criteria: ACMG Guidelines, 2015. Collection method: clinical testing. Allele origin: germline.

Women's Health and Genetics/Laboratory Corporation of America, LabCorp
Classification: Likely benign. Last evaluated: 2024-09-22. Review status: criteria provided, single submitter. Criteria: LabCorp Variant Classification Summary - May 2015. Collection method: clinical testing. Allele origin: germline.

GeneDx
Classification: Likely benign. Last evaluated: 2021-04-26. Review status: criteria provided, single submitter. Criteria: GeneDx Variant Classification Process June 2021. Collection method: clinical testing. Allele origin: germline. Affected: yes.

Breakthrough Genomics
Classification: Likely benign. Review status: criteria provided, single submitter. Criteria: ACMG Guidelines, 2015. Collection method: not provided. Allele origin: germline. Inheritance: Autosomal dominant inheritance. Affected: yes.

PreventionGenetics, part of Exact Sciences
Classification: Likely benign for CTNNA3-related condition. Last evaluated: 2022-10-31. Review status: no assertion criteria provided. Collection method: clinical testing. Allele origin: germline. Not counted in ClinVar's aggregate classification.
Comment: This variant is classified as likely benign based on ACMG/AMP sequence variant interpretation guidelines (Richards et al. 2015 PMID: 25741868, with internal and published modifications).

Clinical Genetics DNA and cytogenetics Diagnostics Lab, Erasmus MC, Erasmus Medical Center
Classification: Likely benign. Review status: no assertion criteria provided. Collection method: clinical testing. Allele origin: germline. Affected: yes. Study: VKGL Data-share Consensus. Not counted in ClinVar's aggregate classification.

Clinical Genetics, Academic Medical Center
Classification: Benign. Review status: no assertion criteria provided. Collection method: clinical testing. Allele origin: germline. Affected: yes. Study: VKGL Data-share Consensus. Not counted in ClinVar's aggregate classification.

Diagnostic Laboratory, Department of Genetics, University Medical Center Groningen
Classification: Likely benign. Review status: no assertion criteria provided. Collection method: clinical testing. Allele origin: germline. Affected: yes. Study: VKGL Data-share Consensus. Not counted in ClinVar's aggregate classification.

Genome Diagnostics Laboratory, University Medical Center Utrecht
Classification: Likely benign. Review status: no assertion criteria provided. Collection method: clinical testing. Allele origin: germline. Affected: yes. Study: VKGL Data-share Consensus. Not counted in ClinVar's aggregate classification.

Joint Genome Diagnostic Labs from Nijmegen and Maastricht, Radboudumc and MUMC+
Classification: Likely benign. Review status: no assertion criteria provided. Collection method: clinical testing. Allele origin: germline. Affected: yes. Study: VKGL Data-share Consensus. Not counted in ClinVar's aggregate classification.

NM_013266.4(CTNNA3):c.1453A>T (p.Thr485Ser)

Gene: CTNNA3 (catenin alpha 3; minus strand). Cytogenetic location: 10q21.3.
Variant type: single nucleotide variant.
Coding change: c.1453A>T on transcript NM_013266.4 (MANE Select); coding-DNA position 1453, A replaced by T.
Protein change: p.Thr485Ser; replaces threonine 485 with serine.
Molecular consequence: missense variant.
Genome position (GRCh38, 1-based): chr10:66,520,695, T>A on the plus strand (A>T on the coding strand, the complement: CTNNA3 is on the minus strand). VCF-style: chr10-66520695-T-A. GRCh37 (hg19) VCF-style: chr10-68280453-T-A.
Other names: c.1453A>T, p.Thr485Ser (NM_001127384.3); short protein forms T485S.
Identifiers: ClinVar variation 415361 (VCV000415361.49), dbSNP rs140913916, ClinGen allele CA5519949.